The following is an entry in ClinVar:

ClinVar aggregate classification (germline): Uncertain significance (1 of 4 stars; one submission).

Submission:

CeGaT Center for Human Genetics Tuebingen
Classification: Uncertain significance. Last evaluated: 2023-09-01. Review status: criteria provided, single submitter. Criteria: CeGaT Center For Human Genetics Tuebingen Variant Classification Criteria Version 2. Collection method: clinical testing. Allele origin: germline. Affected: yes. Observed: 1 variant allele.
Comment: DNAH14: PM2, PM4:Supporting

NM_001367479.1(DNAH14):c.6401del (p.Phe2134fs)

Gene: DNAH14 (dynein axonemal heavy chain 14; plus strand). Cytogenetic location: 1q42.12.
Variant type: Deletion.
Coding change: c.6401del on transcript NM_001367479.1 (MANE Select); coding-DNA position 6401, one base deleted (T; older notation c.6401delT).
Protein change: p.Phe2134fs; shifts the reading frame from phenylalanine 2134.
Molecular consequence: frameshift variant.
Genome position (GRCh38, 1-based): chr1:225,207,182, T deleted; the last of 3 consecutive T bases (chr1:225,207,180-225,207,182); deleting any one gives the same sequence. VCF-style (leftmost placement, unchanged base first): chr1-225207179-CT-C. GRCh37 (hg19) VCF-style: chr1-225394881-CT-C.
Other names: short protein forms F2134fs.
Identifiers: ClinVar variation 2639950 (VCV002639950.24), dbSNP rs1210344683, ClinGen allele CA529467661.